The following is an entry in ClinVar:

ClinVar aggregate classification (germline): Conflicting classifications of pathogenicity. Review status: criteria provided, conflicting classifications (1 of 4 stars). 2 submissions from 2 submitters: Uncertain significance (1); Benign (1). Last evaluated 2025-12-29.

Conditions:
Luscan-Lumish syndrome. Identifiers: Orphanet 597738, MedGen C4085873, MONDO:0014791, OMIM 616831.
Inborn genetic diseases. Identifiers: MedGen C0950123, MeSH D030342.

Allele frequency attached by ClinVar (database versions not stated): gnomAD 0.00001 and 0.00003; gnomAD exomes 0.00001 and 0.00002; ExAC 0.00003; TOPMed 0.00006; 1000 Genomes Project 30x 0.00016; 1000 Genomes Project 0.00020.
gnomAD v4.1: 15 of 1,613,826 alleles (0.00093%); highest among the groups gnomAD compares: Admixed American, 0.023%; no homozygotes.

Submissions (2):

Labcorp Genetics (formerly Invitae), Labcorp
Classification: Benign for Luscan-Lumish syndrome. Last evaluated: 2025-12-29. Review status: criteria provided, single submitter. Criteria: Invitae Variant Classification Sherloc (09022015). Collection method: clinical testing. Allele origin: germline.

Ambry Genetics
Classification: Uncertain significance for Hereditary disease. Last evaluated: 2017-07-27. Review status: criteria provided, single submitter. Criteria: ambry_reporting_categories_2017. Collection method: clinical testing. Allele origin: germline. Affected: yes. Observed: 1 heterozygote. Segregation with disease observed.
Comment: Lines of evidence used in support of classification: UNCERTAIN: Alteration(s) of Uncertain Clinical Significance Detected

Literature cited by the submitters: PubMed 24267886 (cited by Ambry Genetics); PubMed 24852293 (cited by Ambry Genetics); PubMed 22495309 (cited by Ambry Genetics); PubMed 23160955 (cited by Ambry Genetics); PubMed 24901346 (cited by Ambry Genetics); PubMed 27317772 (cited by Ambry Genetics); PubMed 26084711 (cited by Ambry Genetics); PubMed 25574603 (cited by Ambry Genetics); PubMed 28424246 (cited by Ambry Genetics).

NM_014159.7(SETD2):c.3371C>T (p.Ala1124Val)

Gene: SETD2 (SET domain containing 2, histone lysine methyltransferase; minus strand). Cytogenetic location: 3p21.31.
Variant type: single nucleotide variant.
Coding change: c.3371C>T on transcript NM_014159.7 (MANE Select); coding-DNA position 3371, C replaced by T.
Protein change: p.Ala1124Val; replaces alanine 1124 with valine.
Molecular consequence: missense variant. On other transcripts: non-coding transcript variant (1).
Genome position (GRCh38, 1-based): chr3:47,121,265, G>A on the plus strand (C>T on the coding strand, the complement: SETD2 is on the minus strand). VCF-style: chr3-47121265-G-A. GRCh37 (hg19) VCF-style: chr3-47162755-G-A.
Other names: c.3239C>T, p.Ala1080Val (NM_001349370.3); short protein forms A1124V, A1080V.
Identifiers: ClinVar variation 521888 (VCV000521888.12), dbSNP rs538871720, ClinGen allele CA2363394.